The following is an entry in ClinVar:

NM_000088.4(COL1A1):c.751G>T (p.Gly251Cys)

Genes: COL1A1 (collagen type I alpha 1 chain; minus strand), LOC126862586 (CDK7 strongly-dependent group 2 enhancer GRCh37_chr17:48273702-48274901; plus strand). Cytogenetic location: 17q21.33.
Variant type: single nucleotide variant.
Coding change: c.751G>T on transcript NM_000088.4 (MANE Select); coding-DNA position 751, G replaced by T.
Protein change: p.Gly251Cys; replaces glycine 251 with cysteine.
Molecular consequence: missense variant.
Genome position (GRCh38, 1-based): chr17:50,197,063, C>A on the plus strand (G>T on the coding strand, the complement: COL1A1 is on the minus strand). VCF-style: chr17-50197063-C-A. GRCh37 (hg19) VCF-style: chr17-48274424-C-A.
Other names: short protein forms G251C.
Identifiers: ClinVar variation 546097 (VCV000546097.2), dbSNP rs72645317, ClinGen allele CA291547603.
Genomic context (GRCh38, chr17:50,197,063, plus strand): 5'-GACTCACTCTGTGTCCCTTCATTCCAGGGAGGCCAGCTGTTCCGGGCAATCCTCGAGCAC[C>A]CTGGAGAGAGATGAAGAAGACAAGGAAGGGCCATTAGAACACATCACTGTGGACCCAGCT-3'
Protein context (NP_000079.2, residues 241-261): PGERGPPGPQ[Gly251Cys]ARGLPGTAGL

ClinVar aggregate classification (germline): Pathogenic (1 of 4 stars; one submission).

Submission:

GeneDx
Classification: Pathogenic. Last evaluated: 2018-05-17. Review status: criteria provided, single submitter. Criteria: GeneDx Variant Classification (06012015). Collection method: clinical testing. Allele origin: germline. Affected: yes.
Comment: The G251C variant in the COL1A1 gene has been reported previously in association with osteogenesis imperfecta (Marini et al., 2007). This variant is not observed in large population cohorts (Lek et al., 2016). The G251C variant is a non-conservative amino acid substitution, which is likely to impact secondary protein structure as this substitution affects a Glycine residue of the triple-helical region containing Gly-X-Y repeats. In-silico analyses, including protein predictors and evolutionary conservation, support a deleterious effect. Missense Glycine variants in the same codon (G251D and G251R) and nearby residues (G248E, G248R, G254E, and G254R) have been reported in the Human Gene Mutation Database in association with osteogenesis imperfecta (Stenson et al., 2014), supporting the functional importance of this region of the protein. We interpret G251C as a pathogenic variant.